The following is an entry in ClinVar:

ClinVar aggregate classification (germline): Uncertain significance (1 of 4 stars; one submission).

Allele frequency attached by ClinVar (database versions not stated): gnomAD exomes 0.00001; ExAC 0.00002.
gnomAD v4.1: 5 of 1,614,092 alleles (0.00031%); highest among the groups gnomAD compares: Admixed American, 0.0083%; no homozygotes.

Submission:

Labcorp Genetics (formerly Invitae), Labcorp
Classification: Uncertain significance. Last evaluated: 2024-06-24. Review status: criteria provided, single submitter. Criteria: Invitae Variant Classification Sherloc (09022015). Collection method: clinical testing. Allele origin: germline.
Comment: This sequence change replaces proline, which is neutral and non-polar, with serine, which is neutral and polar, at codon 570 of the TBX18 protein (p.Pro570Ser). This variant is present in population databases (rs764187973, gnomAD 0.009%). This variant has not been reported in the literature in individuals affected with TBX18-related conditions. An algorithm developed to predict the effect of missense changes on protein structure and function (PolyPhen-2) suggests that this variant is likely to be tolerated. In summary, the available evidence is currently insufficient to determine the role of this variant in disease. Therefore, it has been classified as a Variant of Uncertain Significance.

NM_001080508.3(TBX18):c.1708C>T (p.Pro570Ser)

Gene: TBX18 (T-box transcription factor 18; minus strand). Cytogenetic location: 6q14.3.
Variant type: single nucleotide variant.
Coding change: c.1708C>T on transcript NM_001080508.3 (MANE Select); coding-DNA position 1708, C replaced by T.
Protein change: p.Pro570Ser; replaces proline 570 with serine.
Molecular consequence: missense variant.
Genome position (GRCh38, 1-based): chr6:84,736,801, G>A on the plus strand (C>T on the coding strand, the complement: TBX18 is on the minus strand). VCF-style: chr6-84736801-G-A. GRCh37 (hg19) VCF-style: chr6-85446519-G-A.
Other names: short protein forms P570S.
Identifiers: ClinVar variation 2972340 (VCV002972340.3), dbSNP rs764187973, ClinGen allele CA3910794.
Genomic context (GRCh38, chr6:84,736,801, plus strand): 5'-TAGAGTCAAAGAAACTCTGCTGACCCCCACTGCTAAGCAGGTGCACTCCTTCCACAGGGG[G>A]CAACATCTGCCGATCCGTCATGGTCCCACTCGGTGAGGACCCCAAGAAACTTCCTTGGGA-3'
Protein context (NP_001073977.1, residues 560-580): SGTMTDRQML[Pro570Ser]PVEGVHLLSS